The following is an entry in ClinVar:

NM_001257180.2(SLC20A2):c.290-5T>C

Gene: SLC20A2 (solute carrier family 20 member 2; minus strand). Cytogenetic location: 8p11.21.
Variant type: single nucleotide variant.
Coding change: c.290-5T>C on transcript NM_001257180.2 (MANE Select); 5 bases into the intron before coding-DNA position 290, T replaced by C.
Molecular consequence: intron variant.
Genome position (GRCh38, 1-based): chr8:42,465,922, A>G on the plus strand (T>C on the coding strand, the complement: SLC20A2 is on the minus strand). VCF-style: chr8-42465922-A-G. GRCh37 (hg19) VCF-style: chr8-42323440-A-G.
Other names: c.290-5T>C (NM_006749.5, NM_001257181.2).
Identifiers: ClinVar variation 363091 (VCV000363091.12), dbSNP rs371924916, ClinGen allele CA4733610.

ClinVar aggregate classification (germline): Benign. Review status: criteria provided, multiple submitters, no conflicts (2 of 4 stars). 2 submissions from 2 submitters: Benign (2). Last evaluated 2025-04-08.

Conditions:
Idiopathic basal ganglia calcification 1 (PFBC1A). Also called: Familial Idiopathic Basal Ganglia Calcification 2; Familial Idiopathic Basal Ganglia Calcification 3; Primary Familial Brain Calcification; PRIMARY FAMILIAL BRAIN CALCIFICATION 1A, AUTOSOMAL DOMINANT; Fahr's syndrome; Cerebral calcification nonarteriosclerotic idiopathic adult-onset. Identifiers: Orphanet 1980, MedGen C4551624, MONDO:0024538, OMIM 213600.

Allele frequency attached by ClinVar (database versions not stated): gnomAD exomes 0.00006 and 0.00017; 1000 Genomes Project 0.00040; ESP Exome Variant Server 0.00054; ExAC 0.00022; 1000 Genomes Project 30x 0.00047; gnomAD 0.00058 and 0.00063; TOPMed 0.00074.
gnomAD v4.1: 186 of 1,607,324 alleles (0.012%); highest among the groups gnomAD compares: African/African-American, 0.23%; no homozygotes.

Submissions (2):

Labcorp Genetics (formerly Invitae), Labcorp
Classification: Benign. Last evaluated: 2025-04-08. Review status: criteria provided, single submitter. Criteria: Invitae Variant Classification Sherloc (09022015). Collection method: clinical testing. Allele origin: germline.

Illumina Laboratory Services, Illumina
Classification: Benign for Idiopathic basal ganglia calcification 1. Last evaluated: 2018-01-13. Review status: criteria provided, single submitter. Criteria: ICSL Variant Classification Criteria 13 December 2019. Collection method: clinical testing. Allele origin: germline.
Comment: This variant was observed in the ICSL laboratory as part of a predisposition screen in an ostensibly healthy population. It had not been previously curated by ICSL or reported in the Human Gene Mutation Database (HGMD: prior to June 1st, 2018), and was therefore a candidate for classification through an automated scoring system. Utilizing variant allele frequency, disease prevalence and penetrance estimates, and inheritance mode, an automated score was calculated to assess if this variant is too frequent to cause the disease. Based on the score and internal cut-off values, a variant classified as benign is not then subjected to further curation. The score for this variant resulted in a classification of benign for this disease.